The following is an entry in ClinVar:

ClinVar aggregate classification (germline): Uncertain significance (1 of 4 stars; one submission).

Conditions:
Cataract 1 multiple types. Also called: CATARACT 1, NUCLEAR PROGRESSIVE; CATARACT 1 WITH MICROCORNEA; CATARACT 1, POSTERIOR SUBCAPSULAR, WITH MICROCORNEA; CATARACT 1, STELLATE NUCLEAR, WITH MICROCORNEA; CATARACT 1, MULTIPLE TYPES, WITH OR WITHOUT MICROCORNEA; CATARACT, DUFFY-LINKED. Identifiers: Orphanet 1377, MedGen C1861828, MONDO:0007285, OMIM 116200.

Allele frequency attached by ClinVar (database versions not stated): gnomAD exomes 0.00001; TOPMed 0.00002; ExAC 0.00003.
gnomAD v4.1: 7 of 1,600,930 alleles (0.00044%); highest among the groups gnomAD compares: Admixed American, 0.012%; no homozygotes.

Submission:

Labcorp Genetics (formerly Invitae), Labcorp
Classification: Uncertain significance for Cataract 1 multiple types. Last evaluated: 2026-01-27. Review status: criteria provided, single submitter. Criteria: Invitae Variant Classification Sherloc (09022015). Collection method: clinical testing. Allele origin: germline.
Comment: This sequence change replaces glutamic acid, which is acidic and polar, with valine, which is neutral and non-polar, at codon 339 of the GJA8 protein (p.Glu339Val). This variant is present in population databases (rs781871271, gnomAD 0.01%). This variant has not been reported in the literature in individuals affected with GJA8-related conditions. ClinVar contains an entry for this variant (Variation ID: 857879). Invitae Evidence Modeling of protein sequence and biophysical properties (such as structural, functional, and spatial information, amino acid conservation, physicochemical variation, residue mobility, and thermodynamic stability) indicates that this missense variant is not expected to disrupt GJA8 protein function with a negative predictive value of 95%. In summary, the available evidence is currently insufficient to determine the role of this variant in disease. Therefore, it has been classified as a Variant of Uncertain Significance.

NM_005267.5(GJA8):c.1016A>T (p.Glu339Val)

Gene: GJA8 (gap junction protein alpha 8; plus strand). Cytogenetic location: 1q21.2.
Variant type: single nucleotide variant.
Coding change: c.1016A>T on transcript NM_005267.5 (MANE Select); coding-DNA position 1016, A replaced by T.
Protein change: p.Glu339Val; replaces glutamic acid 339 with valine.
Molecular consequence: missense variant.
Genome position (GRCh38, 1-based): chr1:147,908,971, A>T. VCF-style: chr1-147908971-A-T. GRCh37 (hg19) VCF-style: chr1-147381098-A-T.
Other names: short protein forms E339V.
Identifiers: ClinVar variation 857879 (VCV000857879.9), dbSNP rs781871271, ClinGen allele CA1066061.